The following is an entry in ClinVar:

NM_000264.5(PTCH1):c.781C>T (p.Pro261Ser)

Gene: PTCH1 (patched 1; minus strand). Cytogenetic location: 9q22.32.
Variant type: single nucleotide variant.
Coding change: c.781C>T on transcript NM_000264.5 (MANE Select); coding-DNA position 781, C replaced by T.
Protein change: p.Pro261Ser; replaces proline 261 with serine.
Molecular consequence: missense variant. On other transcripts: non-coding transcript variant (1).
Genome position (GRCh38, 1-based): chr9:95,480,554, G>A on the plus strand (C>T on the coding strand, the complement: PTCH1 is on the minus strand). VCF-style: chr9-95480554-G-A. GRCh37 (hg19) VCF-style: chr9-98242836-G-A.
Other names: c.583C>T, p.Pro195Ser (NM_001083602.3); c.778C>T, p.Pro260Ser (NM_001083603.3); c.328C>T, p.Pro110Ser (NM_001083604.3, NM_001083605.3, NM_001083606.3 and 1 more transcripts); c.781C>T, p.Pro261Ser (NM_001354918.2); short protein forms P195S, P260S, P110S, P261S.
Identifiers: ClinVar variation 2006774 (VCV002006774.5), dbSNP rs2118426722, ClinGen allele CA374114429.

ClinVar aggregate classification (germline): Uncertain significance. Review status: criteria provided, multiple submitters, no conflicts (2 of 4 stars). 2 submissions from 2 submitters: Uncertain significance (2). Last evaluated 2026-08-23.

Conditions:
Hereditary cancer-predisposing syndrome. Also called: Hereditary neoplastic syndrome; Neoplastic Syndromes, Hereditary; Tumor predisposition; Hereditary Cancer Syndrome. Identifiers: Orphanet 140162, MedGen C0027672, MeSH D009386, MONDO:0015356.
Gorlin syndrome. Also called: Nevoid Basal Cell Carcinoma Syndrome; Basal cell nevus syndrome. Identifiers: Orphanet 377, MedGen C0004779, MONDO:0007187.

Allele frequency attached by ClinVar (database versions not stated): gnomAD exomes below 0.00001.

Submissions (2):

Ambry Genetics
Classification: Uncertain significance for Hereditary cancer-predisposing syndrome. Last evaluated: 2026-08-23. Review status: criteria provided, single submitter. Criteria: Ambry Variant Classification Scheme 2023. Collection method: clinical testing. Allele origin: germline.
Comment: The p.P261S variant (also known as c.781C>T), located in coding exon 6 of the PTCH1 gene, results from a C to T substitution at nucleotide position 781. The proline at codon 261 is replaced by serine, an amino acid with similar properties. This amino acid position is conserved. In addition, this alteration is predicted to be deleterious by in silico analysis. Based on the available evidence, the clinical significance of this variant remains unclear.

Labcorp Genetics (formerly Invitae), Labcorp
Classification: Uncertain significance for Gorlin syndrome. Last evaluated: 2022-10-17. Review status: criteria provided, single submitter. Criteria: Invitae Variant Classification Sherloc (09022015). Collection method: clinical testing. Allele origin: germline.
Comment: This sequence change replaces proline, which is neutral and non-polar, with serine, which is neutral and polar, at codon 261 of the PTCH1 protein (p.Pro261Ser). This variant is not present in population databases (gnomAD no frequency). This variant has not been reported in the literature in individuals affected with PTCH1-related conditions. In summary, the available evidence is currently insufficient to determine the role of this variant in disease. Therefore, it has been classified as a Variant of Uncertain Significance. Advanced modeling of protein sequence and biophysical properties (such as structural, functional, and spatial information, amino acid conservation, physicochemical variation, residue mobility, and thermodynamic stability) performed at Invitae indicates that this missense variant is expected to disrupt PTCH1 protein function.